The following is an entry in ClinVar:

NM_000069.3(CACNA1S):c.1492C>T (p.Arg498Cys)

Gene: CACNA1S (calcium voltage-gated channel subunit alpha1 S; minus strand). Cytogenetic location: 1q32.1.
Variant type: single nucleotide variant.
Coding change: c.1492C>T on transcript NM_000069.3 (MANE Select); coding-DNA position 1492, C replaced by T.
Protein change: p.Arg498Cys; replaces arginine 498 with cysteine.
Molecular consequence: missense variant.
Genome position (GRCh38, 1-based): chr1:201,078,006, G>A on the plus strand (C>T on the coding strand, the complement: CACNA1S is on the minus strand). VCF-style: chr1-201078006-G-A. GRCh37 (hg19) VCF-style: chr1-201047134-G-A.
Other names: short protein forms R498C.
Identifiers: ClinVar variation 446957 (VCV000446957.27), dbSNP rs532351874, ClinGen allele CA078265.
Genomic context (GRCh38, chr1:201,078,006, plus strand): 5'-CACCCGACTCCACCAGCAGGATCTCCAGGATACCGCTACACACCACGAAGCAGTCGAAGC[G>A]GTTGAAGATAGACATGAAGTACTGGCGCAGGCCCAGCCCGTACATCTTCATCAGCATCTC-3'
Protein context (NP_000060.2, residues 488-508): LRQYFMSIFN[Arg498Cys]FDCFVVCSGI

ClinVar aggregate classification (germline): Conflicting classifications of pathogenicity. Review status: criteria provided, conflicting classifications (1 of 4 stars). 7 submissions from 7 submitters: Uncertain significance (6); Likely benign (1). Last evaluated 2025-09-10.

Conditions:
Malignant hyperthermia, susceptibility to, 5 (MHS5). Also called: CACNA1S-Related Malignant Hyperthermia Susceptibility. Identifiers: Orphanet 423, MedGen C1866077, MONDO:0011163, OMIM 601887.
Hypokalemic periodic paralysis, type 1. Also called: HypoPP; Hypokalemic Periodic Paralysis Type 1 (AD). Identifiers: Orphanet 681, MedGen C3714580, MONDO:0042979, OMIM 170400.
Thyrotoxic periodic paralysis, susceptibility to, 1 (TTPP1). Identifiers: Orphanet 79102, MedGen C2749982, MONDO:0008570, OMIM 188580.
Congenital myopathy 18. Also called: Myopathy, congenital, due to dihydropyridine receptor defect; DIHYDROPYRIDINE RECEPTOR CONGENITAL MYOPATHY; DHPR CONGENITAL MYOPATHY. Identifiers: MedGen C5830283, MONDO:0859514, OMIM 620246.
Inborn genetic diseases. Identifiers: MedGen C0950123, MeSH D030342.

Allele frequency attached by ClinVar (database versions not stated): gnomAD exomes 0.00001 and 0.00003; ExAC 0.00002; gnomAD 0.00004; TOPMed 0.00004; 1000 Genomes Project 30x 0.00016; 1000 Genomes Project 0.00020.

Submissions (7):

Labcorp Genetics (formerly Invitae), Labcorp
Classification: Likely benign for Hypokalemic periodic paralysis, type 1; Malignant hyperthermia, susceptibility to, 5. Last evaluated: 2025-09-10. Review status: criteria provided, single submitter. Criteria: Invitae Variant Classification Sherloc (09022015). Collection method: clinical testing. Allele origin: germline.

Fulgent Genetics
Classification: Uncertain significance for Hypokalemic periodic paralysis, type 1; Thyrotoxic periodic paralysis, susceptibility to, 1; Malignant hyperthermia, susceptibility to, 5; Congenital myopathy 18. Last evaluated: 2024-06-20. Review status: criteria provided, single submitter. Criteria: ACMG Guidelines, 2015. Collection method: clinical testing. Allele origin: germline.

GeneDx
Classification: Uncertain significance. Last evaluated: 2024-03-11. Review status: criteria provided, single submitter. Criteria: GeneDx Variant Classification Process June 2021. Collection method: clinical testing. Allele origin: germline. Affected: yes.
Comment: In silico analysis supports that this missense variant has a deleterious effect on protein structure/function; Has not been previously published as pathogenic or benign to our knowledge

Color Diagnostics, LLC DBA Color Health
Classification: Uncertain significance for Malignant hyperthermia, susceptibility to, 5. Last evaluated: 2023-11-15. Review status: criteria provided, single submitter. Criteria: ACMG Guidelines, 2015. Collection method: clinical testing. Allele origin: germline.
Comment: This missense variant replaces arginine with cysteine at codon 498 of the CACNA1S protein. Computational prediction suggests that this variant may have deleterious impact on protein structure and function. To our knowledge, functional studies have not been reported for this variant. This variant has not been reported in individuals affected with CACNA1S-related disorders in the literature. This variant has been identified in 11/282896 chromosomes in the general population by the Genome Aggregation Database (gnomAD). The available evidence is insufficient to determine the role of this variant in disease conclusively. Therefore, this variant is classified as a Variant of Uncertain Significance.

Ambry Genetics
Classification: Uncertain significance for Inborn genetic diseases. Last evaluated: 2023-10-16. Review status: criteria provided, single submitter. Criteria: Ambry Variant Classification Scheme 2023. Collection method: clinical testing. Allele origin: germline.

Revvity Omics, Revvity
Classification: Uncertain significance. Last evaluated: 2021-12-30. Review status: criteria provided, single submitter. Criteria: ACMG Guidelines, 2015. Collection method: clinical testing. Allele origin: germline.

Athena Diagnostics
Classification: Uncertain significance. Last evaluated: 2017-02-20. Review status: criteria provided, single submitter. Criteria: Athena Diagnostics Criteria. Collection method: clinical testing. Allele origin: germline.